The following is an entry in ClinVar:

ClinVar aggregate classification (germline): Uncertain significance (1 of 4 stars; one submission).

Submission:

GeneDx
Classification: Uncertain significance. Last evaluated: 2024-11-25. Review status: criteria provided, single submitter. Criteria: GeneDx Variant Classification Process June 2021. Collection method: clinical testing. Allele origin: germline. Affected: yes.
Comment: Not observed at significant frequency in large population cohorts (gnomAD); In silico analysis supports that this missense variant has a deleterious effect on protein structure/function; Has not been previously published as pathogenic or benign to our knowledge; In silico analysis suggests this variant may impact gene splicing. In the absence of RNA/functional studies, the actual effect of this sequence change is unknown.

NM_002576.5(PAK1):c.997A>G (p.Ser333Gly)

Gene: PAK1 (p21 (RAC1) activated kinase 1; minus strand). Cytogenetic location: 11q13.5.
Variant type: single nucleotide variant.
Coding change: c.997A>G on transcript NM_002576.5 (MANE Select); coding-DNA position 997, A replaced by G.
Protein change: p.Ser333Gly; replaces serine 333 with glycine.
Molecular consequence: missense variant. On other transcripts: non-coding transcript variant (2), intron variant (1).
Genome position (GRCh38, 1-based): chr11:77,343,820, T>C on the plus strand (A>G on the coding strand, the complement: PAK1 is on the minus strand). VCF-style: chr11-77343820-T-C. GRCh37 (hg19) VCF-style: chr11-77054865-T-C.
Other names: c.997A>G, p.Ser333Gly (NM_001128620.2, NM_001376268.1, NM_001376269.1 and 23 more transcripts); c.1018A>G, p.Ser340Gly (NM_001376272.1); c.988A>G, p.Ser330Gly (NM_001376294.1); c.748A>G, p.Ser250Gly (NM_001376301.1); c.703A>G, p.Ser235Gly (NM_001376302.1, NM_001376304.1, NM_001376305.1); c.709A>G, p.Ser237Gly (NM_001376303.1); c.822-3057A>G (NM_001376295.1); short protein forms S235G, S237G, S250G, S330G, S333G, S340G.
Identifiers: ClinVar variation 3900113 (VCV003900113.1).